The following is an entry in ClinVar:

NC_000006.11:g.(?_65523251)_(65523490_?)dup

Gene: EYS (eyes shut homolog; minus strand). Cytogenetic location: 6q12.
Variant type: Duplication.
Identifiers: ClinVar variation 3246130 (VCV003246130.1).

ClinVar aggregate classification (germline): Likely pathogenic (1 of 4 stars; one submission).

Submission:

Labcorp Genetics (formerly Invitae), Labcorp
Classification: Likely pathogenic. Last evaluated: 2023-09-08. Review status: criteria provided, single submitter. Criteria: Invitae Variant Classification Sherloc (09022015). Collection method: clinical testing. Allele origin: unknown.
Comment: In summary, the currently available evidence indicates that the variant is pathogenic, but additional data are needed to prove that conclusively. Therefore, this variant has been classified as Likely Pathogenic. This variant results in a copy number gain of the genomic region encompassing exon(s) 22 of the EYS gene. While the exact position of this variant cannot be determined from the data, sub-genic copy number gains are generally in tandem (PMID: 25640679). This variant is predicted to be out-of-frame, and may result in an absent or disrupted protein product. Loss-of-function variants in EYS are known to be pathogenic (PMID: 18836446, 20333770). This variant has not been reported in the literature in individuals affected with EYS-related conditions.

Literature cited by the submitters: PubMed 25640679; PubMed 18836446; PubMed 20333770.